The following is an entry in ClinVar:

ClinVar aggregate classification (germline): Uncertain significance. Review status: criteria provided, multiple submitters, no conflicts (2 of 4 stars). 2 submissions from 2 submitters: Uncertain significance (2). Last evaluated 2025-10-29.

Conditions:
Baller-Gerold syndrome (BGS). Also called: CRANIOSYNOSTOSIS WITH RADIAL DEFECTS. Identifiers: Orphanet 1225, MedGen C0265308, MONDO:0009039, OMIM 218600.
Inborn genetic diseases. Identifiers: MedGen C0950123, MeSH D030342.

Allele frequency attached by ClinVar (database versions not stated): ExAC 0.00002.
gnomAD v4.1: 3 of 1,594,420 alleles (0.00019%); highest among the groups gnomAD compares: East Asian, 0.0068%; no homozygotes.

Submissions (2):

Labcorp Genetics (formerly Invitae), Labcorp
Classification: Uncertain significance for Baller-Gerold syndrome. Last evaluated: 2025-10-29. Review status: criteria provided, single submitter. Criteria: Invitae Variant Classification Sherloc (09022015). Collection method: clinical testing. Allele origin: germline.
Comment: This sequence change replaces proline, which is neutral and non-polar, with serine, which is neutral and polar, at codon 905 of the RECQL4 protein (p.Pro905Ser). The frequency data for this variant in the population databases is considered unreliable, as metrics indicate poor data quality at this position in the gnomAD database. This variant has not been reported in the literature in individuals affected with RECQL4-related conditions. ClinVar contains an entry for this variant (Variation ID: 529016). Invitae Evidence Modeling of protein sequence and biophysical properties (such as structural, functional, and spatial information, amino acid conservation, physicochemical variation, residue mobility, and thermodynamic stability) indicates that this missense variant is not expected to disrupt RECQL4 protein function with a negative predictive value of 80%. In summary, the available evidence is currently insufficient to determine the role of this variant in disease. Therefore, it has been classified as a Variant of Uncertain Significance.

Ambry Genetics
Classification: Uncertain significance for Inborn genetic diseases. Last evaluated: 2025-06-07. Review status: criteria provided, single submitter. Criteria: Ambry Variant Classification Scheme 2023. Collection method: clinical testing. Allele origin: germline.

NM_004260.4(RECQL4):c.2713C>T (p.Pro905Ser)

Gene: RECQL4 (RecQ like helicase 4; minus strand). Cytogenetic location: 8q24.3.
Variant type: single nucleotide variant.
Coding change: c.2713C>T on transcript NM_004260.4 (MANE Select); coding-DNA position 2713, C replaced by T.
Protein change: p.Pro905Ser; replaces proline 905 with serine.
Molecular consequence: missense variant.
Genome position (GRCh38, 1-based): chr8:144,512,889, G>A on the plus strand (C>T on the coding strand, the complement: RECQL4 is on the minus strand). VCF-style: chr8-144512889-G-A. GRCh37 (hg19) VCF-style: chr8-145738272-G-A.
Other names: short protein forms P905S.
Identifiers: ClinVar variation 529016 (VCV000529016.10), dbSNP rs778939539, ClinGen allele CA4948140.